The following is an entry in ClinVar:

NM_002875.5(RAD51):c.665A>G (p.Asp222Gly)

Gene: RAD51 (RAD51 recombinase; plus strand). Cytogenetic location: 15q15.1.
Variant type: single nucleotide variant.
Coding change: c.665A>G on transcript NM_002875.5 (MANE Select); coding-DNA position 665, A replaced by G.
Protein change: p.Asp222Gly; replaces aspartic acid 222 with glycine.
Molecular consequence: missense variant.
Genome position (GRCh38, 1-based): chr15:40,729,525, A>G. VCF-style: chr15-40729525-A-G. GRCh37 (hg19) VCF-style: chr15-41021723-A-G.
Other names: c.668A>G, p.Asp223Gly (NM_001164269.2, NM_133487.4); c.665A>G, p.Asp222Gly (NM_001164270.2); short protein forms D222G, D223G.
Identifiers: ClinVar variation 2585948 (VCV002585948.2), dbSNP rs1332437837, ClinGen allele CA391758566.

ClinVar aggregate classification (germline): Uncertain significance (1 of 4 stars; one submission).

Conditions:
Inborn genetic diseases. Identifiers: MedGen C0950123, MeSH D030342.

Allele frequency attached by ClinVar (database versions not stated): gnomAD 0.00001.

Submission:

Ambry Genetics
Classification: Uncertain significance for Inborn genetic diseases. Last evaluated: 2023-08-24. Review status: criteria provided, single submitter. Criteria: Ambry Variant Classification Scheme 2023. Collection method: clinical testing. Allele origin: germline.
Comment: The p.D222G variant (also known as c.665A>G), located in coding exon 7 of the RAD51 gene, results from an A to G substitution at nucleotide position 665. The aspartic acid at codon 222 is replaced by glycine, an amino acid with similar properties. This amino acid position is conserved. In addition, this alteration is predicted to be deleterious by in silico analysis. Since supporting evidence is limited at this time, the clinical significance of this alteration remains unclear.